The following is an entry in ClinVar:

NM_001242882.2(NAXD):c.521C>T (p.Pro174Leu)

Gene: NAXD (NAD(P)HX dehydratase; plus strand). Cytogenetic location: 13q34.
Variant type: single nucleotide variant.
Coding change: c.521C>T on transcript NM_001242882.2 (MANE Select); coding-DNA position 521, C replaced by T.
Protein change: p.Pro174Leu; replaces proline 174 with leucine.
Molecular consequence: missense variant. On other transcripts: non-coding transcript variant (2).
Genome position (GRCh38, 1-based): chr13:110,634,700, C>T. VCF-style: chr13-110634700-C-T. GRCh37 (hg19) VCF-style: chr13-111287047-C-T.
Other names: c.521C>T (NM_001242882.1); c.575C>T, p.Pro192Leu (NM_001242881.2, NM_018210.4); c.245C>T, p.Pro82Leu (NM_001242883.2); short protein forms P174L, P192L, P82L.
Identifiers: ClinVar variation 1575446 (VCV001575446.19), dbSNP rs137876156, ClinGen allele CA7051254.

ClinVar aggregate classification (germline): Conflicting classifications of pathogenicity. Review status: criteria provided, conflicting classifications (1 of 4 stars). 4 submissions from 4 submitters: Uncertain significance (1); Likely benign (3). Last evaluated 2025-10-31.

Conditions:
NAD(P)HX dehydratase deficiency. Also called: Encephalopathy, progressive, early-onset, with brain edema and/or leukoencephalopathy, 2. Identifiers: Orphanet 555402, MedGen C5193026, MONDO:0034121, OMIM 618321.

Allele frequency attached by ClinVar (database versions not stated): ESP Exome Variant Server 0.00092; 1000 Genomes Project 0.00100; gnomAD 0.00106 and 0.00111; TOPMed 0.00112; gnomAD exomes 0.00120 and 0.00122; ExAC 0.00122; 1000 Genomes Project 30x 0.00141.
gnomAD v4.1: 1,959 of 1,614,142 alleles (0.12%); highest among the groups gnomAD compares: South Asian, 0.29%; 5 homozygotes.

Submissions (4):

Labcorp Genetics (formerly Invitae), Labcorp
Classification: Likely benign. Last evaluated: 2025-10-31. Review status: criteria provided, single submitter. Criteria: Invitae Variant Classification Sherloc (09022015). Collection method: clinical testing. Allele origin: germline.

CeGaT Center for Human Genetics Tuebingen
Classification: Likely benign. Last evaluated: 2025-10-01. Review status: criteria provided, single submitter. Criteria: CeGaT Center For Human Genetics Tuebingen Variant Classification Criteria Version 2. Collection method: clinical testing. Allele origin: germline. Affected: yes. Observed: 2 variant alleles.
Comment: NAXD: PP2, BP4, BS1

Blueprint Genetics
Classification: Likely benign. Last evaluated: 2024-11-07. Review status: criteria provided, single submitter. Criteria: ACMG Guidelines, 2015. Collection method: clinical testing. Allele origin: germline.

Revvity Omics, Revvity
Classification: Uncertain significance for NAD(P)HX dehydratase deficiency. Last evaluated: 2021-04-14. Review status: criteria provided, single submitter. Criteria: ACMG Guidelines, 2015. Collection method: clinical testing. Allele origin: germline.